The following is an entry in ClinVar:

ClinVar aggregate classification (germline): Likely benign (0 of 4 stars; one submission).

Conditions:
PGAP1-related disorder. Also called: PGAP1-related condition.

gnomAD v4.1: 35 of 1,612,800 alleles (0.0022%); highest among the groups gnomAD compares: Middle Eastern, 0.016%; no homozygotes.

Submission:

PreventionGenetics, part of Exact Sciences
Classification: Likely benign for PGAP1-related condition. Last evaluated: 2019-02-27. Review status: no assertion criteria provided. Collection method: clinical testing. Allele origin: germline.
Comment: This variant is classified as likely benign based on ACMG/AMP sequence variant interpretation guidelines (Richards et al. 2015 PMID: 25741868, with internal and published modifications).

NM_024989.4(PGAP1):c.1650A>G (p.Lys550=)

Gene: PGAP1 (post-GPI attachment to proteins inositol deacylase 1; minus strand). Cytogenetic location: 2q33.1.
Variant type: single nucleotide variant.
Coding change: c.1650A>G on transcript NM_024989.4 (MANE Select); coding-DNA position 1650, A replaced by G.
Protein change: p.Lys550=; no amino-acid change (lysine 550 retained).
Molecular consequence: synonymous variant.
Genome position (GRCh38, 1-based): chr2:196,872,519, T>C on the plus strand (A>G on the coding strand, the complement: PGAP1 is on the minus strand). VCF-style: chr2-196872519-T-C. GRCh37 (hg19) VCF-style: chr2-197737243-T-C.
Other names: c.1128A>G, p.Lys376= (NM_001321099.2); c.483A>G, p.Lys161= (NM_001321100.2).
Identifiers: ClinVar variation 3353032 (VCV003353032.1).